The following is an entry in ClinVar:

NM_000038.6(APC):c.5989_5992del (p.Gly1997fs)

Gene: APC (APC regulator of Wnt signaling pathway; plus strand). Cytogenetic location: 5q22.2.
Variant type: Deletion.
Coding change: c.5989_5992del on transcript NM_000038.6 (MANE Select); coding-DNA positions 5989 to 5992, 4 bases deleted (GGAG; older notation c.5989_5992delGGAG).
Protein change: p.Gly1997fs; shifts the reading frame from glycine 1997.
Molecular consequence: frameshift variant.
Genome position (GRCh38, 1-based): chr5:112,841,583-112,841,586, GGAG deleted; deleting any 4 consecutive bases within chr5:112,841,581-112,841,586 gives the same sequence; the c. name uses the placement nearest the transcript's 3' end. VCF-style (leftmost placement, unchanged base first): chr5-112841580-CAGGG-C. GRCh37 (hg19) VCF-style: chr5-112177277-CAGGG-C.
Other names: c.5989_5992del, p.Gly1997fs (NM_001127510.3, NM_001354895.2); c.5935_5938del, p.Gly1979fs (NM_001127511.3); c.6043_6046del, p.Gly2015fs (NM_001354896.2); c.6019_6022del, p.Gly2007fs (NM_001354897.2); c.5914_5917del, p.Gly1972fs (NM_001354898.2); c.5905_5908del, p.Gly1969fs (NM_001354899.2); c.5866_5869del, p.Gly1956fs (NM_001354900.2); c.5812_5815del, p.Gly1938fs (NM_001354901.2); and 16 more; short protein forms G1972fs, G1979fs, G1714fs, G1837fs, G1896fs, G2007fs, G2015fs, G1906fs.
Identifiers: ClinVar variation 1750871 (VCV001750871.4), dbSNP rs2533683115, ClinGen allele CA2580072798.
Genomic context (GRCh38, chr5:112,841,580, plus strand): 5'-GACCAAGAAAACAACAATAAAGAAAATGAACCTATCAAAGAGACTGAGCCCCCTGACTCA[CAGGG>C]AGAACCAAGTAAACCTCAAGCATCAGGCTATGCTCCTAAATCATTTCATGTTGAAGATAC-3'

ClinVar aggregate classification (germline): Pathogenic. Review status: criteria provided, multiple submitters, no conflicts (2 of 4 stars). 2 submissions from 2 submitters: Pathogenic (2). Last evaluated 2023-05-15.

Conditions:
Hereditary cancer-predisposing syndrome. Also called: Hereditary Cancer Syndrome; Hereditary neoplastic syndrome; Neoplastic Syndromes, Hereditary; Tumor predisposition. Identifiers: Orphanet 140162, MedGen C0027672, MeSH D009386, MONDO:0015356.
Familial adenomatous polyposis 1 (FAP1). Also called: FAMILIAL ADENOMATOUS POLYPOSIS 1, ATTENUATED; POLYPOSIS, ADENOMATOUS INTESTINAL. Identifiers: MedGen C2713442, MONDO:0021056, OMIM 175100. Disease mechanism: loss of function.

Submissions (2):

Myriad Genetics, Inc.
Classification: Pathogenic for Familial adenomatous polyposis 1. Last evaluated: 2023-05-15. Review status: criteria provided, single submitter. Criteria: Myriad Autosomal Dominant, Autosomal Recessive and X-Linked Classification Criteria (2023). Collection method: clinical testing. Allele origin: unknown.
Comment: This variant is considered pathogenic. This variant creates a frameshift predicted to result in premature protein truncation.

Ambry Genetics
Classification: Pathogenic for Hereditary cancer-predisposing syndrome. Last evaluated: 2021-12-17. Review status: criteria provided, single submitter. Criteria: Ambry Variant Classification Scheme 2023. Collection method: clinical testing. Allele origin: germline.
Comment: The c.5989_5992delGGAG pathogenic mutation, located in coding exon 15 of the APC gene, results from a deletion of 4 nucleotides at nucleotide positions 5989 to 5992, causing a translational frameshift with a predicted alternate stop codon (p.G1997Nfs*46). This alteration occurs at the 3' terminus of theAPC gene, is not expected to trigger nonsense-mediated mRNA decay, and impacts the last 847 amino acids of the protein. However, premature stop codons are typically deleterious in nature and the impacted region is critical for protein function and a significant portion of the protein is affected (Ambry internal data). This alteration has been observed in at least one individual with a personal and/or family history that is consistent with APC-related disease (Ambry internal data). This variant is considered to be rare based on population cohorts in the Genome Aggregation Database (gnomAD). Based on the supporting evidence, this alteration is interpreted as a disease-causing mutation.